The following is an entry in ClinVar:

NM_004463.3(FGD1):c.1784del (p.Gly595fs)

Gene: FGD1 (FYVE, RhoGEF and PH domain containing 1; minus strand). Cytogenetic location: Xp11.22.
Variant type: Deletion.
Coding change: c.1784del on transcript NM_004463.3 (MANE Select); coding-DNA position 1784, one base deleted (G; older notation c.1784delG).
Protein change: p.Gly595fs; shifts the reading frame from glycine 595.
Molecular consequence: frameshift variant.
Genome position (GRCh38, 1-based): chrX:54,456,278, C deleted on the plus strand (G on the coding strand, the reverse complement: FGD1 is on the minus strand); the first of 2 consecutive C bases (chrX:54,456,278-54,456,279); deleting either gives the same sequence. VCF-style (leftmost placement, unchanged base first): chrX-54456277-GC-G. GRCh37 (hg19) VCF-style: chrX-54482710-GC-G.
Other names: short protein forms G595fs.
Identifiers: ClinVar variation 2849341 (VCV002849341.3), dbSNP rs2522700010, ClinGen allele CA2739273538.

ClinVar aggregate classification (germline): Pathogenic (1 of 4 stars; one submission).

Submission:

Labcorp Genetics (formerly Invitae), Labcorp
Classification: Pathogenic. Last evaluated: 2023-03-25. Review status: criteria provided, single submitter. Criteria: Invitae Variant Classification Sherloc (09022015). Collection method: clinical testing. Allele origin: germline.
Comment: For these reasons, this variant has been classified as Pathogenic. This variant has not been reported in the literature in individuals affected with FGD1-related conditions. This variant is not present in population databases (gnomAD no frequency). This sequence change creates a premature translational stop signal (p.Gly595Alafs*47) in the FGD1 gene. It is expected to result in an absent or disrupted protein product. Loss-of-function variants in FGD1 are known to be pathogenic (PMID: 21739585, 23211637, 25046119, 26029706).

Literature cited by the submitters: PubMed 21739585; PubMed 23211637; PubMed 25046119; PubMed 26029706.